The following is an entry in ClinVar:

NM_000632.4(ITGAM):c.704+10C>G

Gene: ITGAM (integrin subunit alpha M; plus strand). Cytogenetic location: 16p11.2.
Variant type: single nucleotide variant.
Coding change: c.704+10C>G on transcript NM_000632.4 (MANE Select); 10 bases into the intron after coding-DNA position 704, C replaced by G.
Molecular consequence: intron variant.
Genome position (GRCh38, 1-based): chr16:31,272,002, C>G. VCF-style: chr16-31272002-C-G. GRCh37 (hg19) VCF-style: chr16-31283323-C-G.
Other names: c.704+10C>G (NM_001145808.2, NM_000632.3).
Identifiers: ClinVar variation 1164967 (VCV001164967.12), dbSNP rs35472514, ClinGen allele CA8025304.

ClinVar aggregate classification (germline): Benign. Review status: criteria provided, multiple submitters, no conflicts (2 of 4 stars). 3 submissions from 3 submitters: Benign (2). 1 of the submissions does not count toward it. Last evaluated 2026-02-04.

Conditions:
ITGAM-related disorder. Also called: ITGAM-related condition.

Allele frequency attached by ClinVar (database versions not stated): gnomAD 0.11646 and 0.11750; ESP Exome Variant Server 0.11265; TOPMed 0.11307; gnomAD exomes 0.12056; 1000 Genomes Project 30x 0.12071; 1000 Genomes Project 0.12101.
gnomAD v4.1: 187,863 of 1,613,676 alleles (12%); highest among the groups gnomAD compares: South Asian, 20%; 11,924 homozygotes.

Submissions (3):

Labcorp Genetics (formerly Invitae), Labcorp
Classification: Benign. Last evaluated: 2026-02-04. Review status: criteria provided, single submitter. Criteria: Invitae Variant Classification Sherloc (09022015). Collection method: clinical testing. Allele origin: germline.

Breakthrough Genomics
Classification: Benign. Review status: criteria provided, single submitter. Criteria: ACMG Guidelines, 2015. Collection method: not provided. Allele origin: germline. Inheritance: Unknown mechanism. Affected: yes.

PreventionGenetics, part of Exact Sciences
Classification: Benign for ITGAM-related condition. Last evaluated: 2019-11-12. Review status: no assertion criteria provided. Collection method: clinical testing. Allele origin: germline. Not counted in ClinVar's aggregate classification.
Comment: This variant is classified as benign based on ACMG/AMP sequence variant interpretation guidelines (Richards et al. 2015 PMID: 25741868, with internal and published modifications).